The following is an entry in ClinVar:

NM_014679.5(CEP57):c.1234G>A (p.Ala412Thr)

Gene: CEP57 (centrosomal protein 57; plus strand). Cytogenetic location: 11q21.
Variant type: single nucleotide variant.
Coding change: c.1234G>A on transcript NM_014679.5 (MANE Select); coding-DNA position 1234, G replaced by A.
Protein change: p.Ala412Thr; replaces alanine 412 with threonine.
Molecular consequence: missense variant.
Genome position (GRCh38, 1-based): chr11:95,829,293, G>A. VCF-style: chr11-95829293-G-A. GRCh37 (hg19) VCF-style: chr11-95562457-G-A.
Other names: c.1207G>A, p.Ala403Thr (NM_001243776.2); c.1156G>A, p.Ala386Thr (NM_001243777.2); c.1153G>A, p.Ala385Thr (NM_001363604.2); short protein forms A412T, A385T, A386T, A403T.
Identifiers: ClinVar variation 2308064 (VCV002308064.5), dbSNP rs573450584, ClinGen allele CA6239740.

ClinVar aggregate classification (germline): Uncertain significance. Review status: criteria provided, multiple submitters, no conflicts (2 of 4 stars). 2 submissions from 2 submitters: Uncertain significance (2). Last evaluated 2023-08-04.

Conditions:
Inborn genetic diseases. Identifiers: MedGen C0950123, MeSH D030342.
Mosaic variegated aneuploidy syndrome 2 (MVA2). Identifiers: Orphanet 1052, MedGen C3279843, MONDO:0013582, OMIM 614114.

Allele frequency attached by ClinVar (database versions not stated): gnomAD exomes below 0.00001; ExAC 0.00001.
gnomAD v4.1: 6 of 1,613,630 alleles (0.00037%); highest among the groups gnomAD compares: South Asian, 0.0066%; no homozygotes.

Submissions (2):

Labcorp Genetics (formerly Invitae), Labcorp
Classification: Uncertain significance for Mosaic variegated aneuploidy syndrome 2. Last evaluated: 2023-08-04. Review status: criteria provided, single submitter. Criteria: Invitae Variant Classification Sherloc (09022015). Collection method: clinical testing. Allele origin: germline.
Comment: This sequence change replaces alanine, which is neutral and non-polar, with threonine, which is neutral and polar, at codon 412 of the CEP57 protein (p.Ala412Thr). This variant is present in population databases (rs573450584, gnomAD 0.01%). This variant has not been reported in the literature in individuals affected with CEP57-related conditions. ClinVar contains an entry for this variant (Variation ID: 2308064). In summary, the available evidence is currently insufficient to determine the role of this variant in disease. Therefore, it has been classified as a Variant of Uncertain Significance. Advanced modeling of protein sequence and biophysical properties (such as structural, functional, and spatial information, amino acid conservation, physicochemical variation, residue mobility, and thermodynamic stability) performed at Invitae indicates that this missense variant is not expected to disrupt CEP57 protein function.

Ambry Genetics
Classification: Uncertain significance for Inborn genetic diseases. Last evaluated: 2022-08-17. Review status: criteria provided, single submitter. Criteria: Ambry Variant Classification Scheme 2023. Collection method: clinical testing. Allele origin: germline.